The following is an entry in ClinVar:

NM_203447.4(DOCK8):c.5223+79A>C

Gene: DOCK8 (dedicator of cytokinesis 8; plus strand). Cytogenetic location: 9p24.3.
Variant type: single nucleotide variant.
Coding change: c.5223+79A>C on transcript NM_203447.4 (MANE Select); 79 bases into the intron after coding-DNA position 5223, A replaced by C.
Molecular consequence: intron variant.
Genome position (GRCh38, 1-based): chr9:439,467, A>C. VCF-style: chr9-439467-A-C. GRCh37 (hg19) VCF-style: chr9-439467-A-C.
Other names: c.5019+79A>C (NM_001193536.2); c.4923+79A>C (NM_001190458.2).
Identifiers: ClinVar variation 1185302 (VCV001185302.7), dbSNP rs10217568, ClinGen allele CA13005044.

ClinVar aggregate classification (germline): Benign. Review status: criteria provided, multiple submitters, no conflicts (2 of 4 stars). 4 submissions from 4 submitters: Benign (4). Last evaluated 2023-11-12.

Conditions:
Combined immunodeficiency due to DOCK8 deficiency (HIES2). Also called: Hyper-IgE recurrent infection syndrome, autosomal recessive; HYPER-IgE SYNDROME 2, AUTOSOMAL RECESSIVE, WITH RECURRENT INFECTIONS; HIES autosomal recessive; HYPER-IgE RECURRENT INFECTION SYNDROME 2, AUTOSOMAL RECESSIVE; DOCK8 Deficiency. Identifiers: Orphanet 217390, MedGen C4722305, MONDO:0009478, OMIM 243700.

Allele frequency attached by ClinVar (database versions not stated): TOPMed 0.64253; 1000 Genomes Project 30x 0.67567; 1000 Genomes Project 0.68510.
gnomAD v4.1: 1,122,072 of 1,581,092 alleles (71%); highest among the groups gnomAD compares: East Asian, 99%; 403,582 homozygotes.

Submissions (4):

Unidad de Genómica Garrahan, Hospital de Pediatría Garrahan
Classification: Benign. Last evaluated: 2023-11-12. Review status: criteria provided, single submitter. Criteria: ACMG Guidelines, 2015. Collection method: clinical testing. Allele origin: germline. Affected: no. Observed: 82 variant alleles.
Comment: This variant is classified as Benign based on local population frequency. This variant was detected in 85% of patients studied by a panel of primary immunodeficiencies. Number of patients: 82. Only high quality variants are reported.

Genome-Nilou Lab
Classification: Benign for Combined immunodeficiency due to DOCK8 deficiency. Last evaluated: 2021-07-14. Review status: criteria provided, single submitter. Criteria: ACMG Guidelines, 2015. Collection method: clinical testing. Allele origin: germline. Affected: no.

GeneDx
Classification: Benign. Last evaluated: 2018-06-26. Review status: criteria provided, single submitter. Criteria: GeneDx Variant Classification Process June 2021. Collection method: clinical testing. Allele origin: germline. Affected: yes.

Breakthrough Genomics
Classification: Benign. Review status: criteria provided, single submitter. Criteria: ACMG Guidelines, 2015. Collection method: not provided. Allele origin: germline. Inheritance: Autosomal recessive inheritance. Affected: yes.